The following is an entry in ClinVar:

NM_000023.4(SGCA):c.197T>A (p.Leu66His)

Gene: SGCA (sarcoglycan alpha; plus strand). Cytogenetic location: 17q21.33.
Variant type: single nucleotide variant.
Coding change: c.197T>A on transcript NM_000023.4 (MANE Select); coding-DNA position 197, T replaced by A.
Protein change: p.Leu66His; replaces leucine 66 with histidine.
Molecular consequence: missense variant. On other transcripts: non-coding transcript variant (1).
Genome position (GRCh38, 1-based): chr17:50,167,621, T>A. VCF-style: chr17-50167621-T-A. GRCh37 (hg19) VCF-style: chr17-48244982-T-A.
Other names: NM_000023.4(SGCA):c.197T>A; p.Leu66His; c.197T>A, p.Leu66His (NM_001135697.3); short protein forms L66H.
Identifiers: ClinVar variation 286025 (VCV000286025.15), dbSNP rs767928766, ClinGen allele CA501057.

ClinVar aggregate classification (germline): Likely pathogenic. Review status: reviewed by expert panel (3 of 4 stars). 6 submissions from 6 submitters: Likely pathogenic (1). 5 of the submissions do not count toward it. Last evaluated 2026-04-29.

Conditions:
Autosomal recessive limb-girdle muscular dystrophy. Identifiers: Orphanet 102015, MedGen C2931907, MONDO:0015152.
Autosomal recessive limb-girdle muscular dystrophy type 2D (LGMDR3). Also called: ADHALINOPATHY, PRIMARY; DUCHENNE-LIKE AUTOSOMAL RECESSIVE MUSCULAR DYSTROPHY, TYPE 2; MUSCULAR DYSTROPHY, LIMB-GIRDLE, AUTOSOMAL RECESSIVE 3. Identifiers: Orphanet 62, MedGen C2936332, MONDO:0011968, OMIM 608099. Disease mechanism: Affects gamma-sarcoglycan and also disrupts the integrity of the entire sarcoglycan complex..

Allele frequency attached by ClinVar (database versions not stated): gnomAD exomes 0.00002 and 0.00001; ExAC 0.00003.
gnomAD v4.1: 9 of 1,613,614 alleles (0.00056%); highest among the groups gnomAD compares: South Asian, 0.0099%; no homozygotes.

Submissions (6):

ClinGen Limb Girdle Muscular Dystrophy Variant Curation Expert Panel, ClinGen
Classification: Likely pathogenic for Autosomal recessive limb-girdle muscular dystrophy. Last evaluated: 2026-04-29. Review status: reviewed by expert panel. Criteria: ClinGen LGMD VCEP ACMG Specifications SGCA V2.0.0. Collection method: curation. Allele origin: germline. Inheritance: Autosomal recessive inheritance.
Comment: The NM_000023.4: c.197T>A variant in SGCA is a missense variant predicted to cause substitution of leucine by histidine at amino acid 66, p.(Leu66His). This variant has been detected in at least 10 individuals with limb-girdle muscular dystrophy, all of them were homozygous for the variant (1 pt; PMIDs: 33552634, 30564623, 31069529, 35416532) (PM3). At least one patient homozygous for this variant displayed progressive limb girdle muscle weakness and absent alpha-sarcoglycan protein expression, which is highly specific for SGCA-related LGMD (PP4_Strong; PMID: 35416532). The upper bound of the 95% confidence interval of the Grpmax variant allele frequency in gnomAD v4.1.1 is 0.0001724 (9/91072 South Asian alleles), which is higher than the LGMD VCEP threshold (<0.00009) for PM2_Supporting, and therefore does not meet this criterion. An in vitro assay in a heterologous cell system has demonstrated that this variant disrupts membrane localization of the sarcoglycan complex, indicating disruption of protein function (PS3_Moderate, Washington University internal data). The computational predictor REVEL also gives a score of 0.887, which is above the threshold of 0.7, evidence that correlates with impact to SGCA function (PP3). In summary, this variant meets the criteria to be classified as Likely Pathogenic for autosomal recessive limb girdle muscular dystrophy based on the ACMG/AMP criteria applied, as specified by the ClinGen LGMD VCEP (LGMD VCEP specifications version 2.0.0; 04/29/2026): PM3, PP4_Strong, PS3_Moderate, PP3.

Revvity Omics, Revvity
Classification: Likely pathogenic for Autosomal recessive limb-girdle muscular dystrophy type 2D. Last evaluated: 2025-08-06. Review status: criteria provided, single submitter. Criteria: ACMG Guidelines, 2015. Collection method: clinical testing. Allele origin: germline. Not counted in ClinVar's aggregate classification.

Labcorp Genetics (formerly Invitae), Labcorp
Classification: Pathogenic for Autosomal recessive limb-girdle muscular dystrophy type 2D. Last evaluated: 2024-09-24. Review status: criteria provided, single submitter. Criteria: Invitae Variant Classification Sherloc (09022015). Collection method: clinical testing. Allele origin: germline. Not counted in ClinVar's aggregate classification.
Comment: This sequence change replaces leucine, which is neutral and non-polar, with histidine, which is basic and polar, at codon 66 of the SGCA protein (p.Leu66His). This variant is present in population databases (rs767928766, gnomAD 0.02%). This missense change has been observed in individuals with Duchenne muscular dystrophy and/or SGCA-related conditions (PMID: 31069529, 33552634, 35416532; internal data). ClinVar contains an entry for this variant (Variation ID: 286025). Invitae Evidence Modeling of protein sequence and biophysical properties (such as structural, functional, and spatial information, amino acid conservation, physicochemical variation, residue mobility, and thermodynamic stability) indicates that this missense variant is expected to disrupt SGCA protein function with a positive predictive value of 95%. For these reasons, this variant has been classified as Pathogenic.

Baylor Genetics
Classification: Pathogenic for Autosomal recessive limb-girdle muscular dystrophy type 2D. Last evaluated: 2024-02-20. Review status: criteria provided, single submitter. Criteria: ACMG Guidelines, 2015. Collection method: clinical testing. Allele origin: unknown. Not counted in ClinVar's aggregate classification.

Eurofins Ntd Llc (ga)
Classification: Uncertain significance. Last evaluated: 2016-02-23. Review status: criteria provided, single submitter. Criteria: EGL Classification Definitions 2015. Collection method: clinical testing. Allele origin: germline. Observed: 2 variant alleles, 2 homozygotes. Not counted in ClinVar's aggregate classification.

Neuberg Centre For Genomic Medicine, NCGM
Classification: Likely pathogenic for Autosomal recessive limb-girdle muscular dystrophy type 2D. Review status: criteria provided, single submitter. Criteria: ACMG Guidelines, 2015. Collection method: clinical testing. Allele origin: germline. Inheritance: Autosomal dominant inheritance. Affected: yes. Not counted in ClinVar's aggregate classification.
Comment: The missense c.197T>A (p.Leu66His) variant in SGCA gene has been reported previously in multiple individuals, including those of indian origin, affected with SGCA-related muscular dystrophy (Nerakh et al., 2021; Bardhan et al., 2022; Ganapathy et al., 2019). For these reasons, the variant has been classified as Likely Pathogenic.

Literature cited by the submitters: PubMed 31069529 (cited by Labcorp Genetics (formerly Invitae), Labcorp); PubMed 33552634 (cited by Labcorp Genetics (formerly Invitae), Labcorp); PubMed 35416532 (cited by Labcorp Genetics (formerly Invitae), Labcorp).